The following is an entry in ClinVar:

NM_206933.4(USH2A):c.12067_12068delinsAA (p.Gly4023Lys)

Gene: USH2A (usherin; minus strand). Cytogenetic location: 1q41.
Variant type: Indel.
Coding change: c.12067_12068delinsAA on transcript NM_206933.4 (MANE Select); coding-DNA positions 12067 to 12068, GG replaced by AA.
Protein change: p.Gly4023Lys; replaces glycine 4023 with lysine.
Molecular consequence: missense variant.
Genome position (GRCh38, 1-based): chr1:215,680,375-215,680,376, CC replaced by TT on the plus strand (GG replaced by AA on the coding strand, the reverse complement: USH2A is on the minus strand). VCF-style: chr1-215680375-CC-TT. GRCh37 (hg19) VCF-style: chr1-215853717-CC-TT.
Other names: short protein forms G4023K.
Identifiers: ClinVar variation 5008321 (VCV005008321.1).
Genomic context (GRCh38, chr1:215,680,375, plus strand): 5'-ACACCAATGCGATATGTTGTGAATGGTTCTAACCCGTACAGGTGGGCTTGATGGCTTGTT[CC>TT]CTGTAAGAAAATTAACAGGTTAAGTTGTTGTTTTTTTTTTTTGAAACTGACAATATTGCT-3'
Protein context (NP_996816.3, residues 4013-4033): SPTVHAFTVK[Gly4023Lys]TSHQAHLYGL

ClinVar aggregate classification (germline): Uncertain significance (1 of 4 stars; one submission).

Submission:

GeneDx
Classification: Uncertain significance. Last evaluated: 2026-03-01. Review status: criteria provided, single submitter. Criteria: GeneDx Variant Classification Process June 2021. Collection method: clinical testing. Allele origin: germline.
Comment: Not observed at significant frequency in large population cohorts (gnomAD); Has not been previously published as pathogenic or benign to our knowledge; In silico analysis does not support a benign or deleterious effect of this variant on protein structure/function